The following is an entry in ClinVar:

NM_000089.4(COL1A2):c.3537G>A (p.Trp1179Ter)

Gene: COL1A2 (collagen type I alpha 2 chain; plus strand). Cytogenetic location: 7q21.3.
Variant type: single nucleotide variant.
Coding change: c.3537G>A on transcript NM_000089.4 (MANE Select); coding-DNA position 3537, G replaced by A.
Protein change: p.Trp1179Ter; replaces tryptophan 1179 with a stop codon.
Molecular consequence: nonsense.
Genome position (GRCh38, 1-based): chr7:94,428,303, G>A. VCF-style: chr7-94428303-G-A. GRCh37 (hg19) VCF-style: chr7-94057615-G-A.
Other names: short protein forms W1179*.
Identifiers: ClinVar variation 4785935 (VCV004785935.1).

ClinVar aggregate classification (germline): Pathogenic (1 of 4 stars; one submission).

Conditions:
Ehlers-Danlos syndrome, classic type, 1 (EDSCL1). Also called: EHLERS-DANLOS SYNDROME, GRAVIS TYPE; EHLERS-DANLOS SYNDROME, SEVERE CLASSIC TYPE; Ehlers-Danlos syndrome, type 1; Ehlers-Danlos Syndrome, Classic Type, COL5A1-Related; EDS I. Identifiers: MedGen C0268335, MONDO:0019567, OMIM 130000.
Osteogenesis imperfecta type I (OI1). Also called: OI, TYPE I; OSTEOGENESIS IMPERFECTA TARDA; OSTEOGENESIS IMPERFECTA WITH BLUE SCLERAE; Osteogenesis imperfecta type 1; Lobstein's Disease; Lobstein disease. Identifiers: Orphanet 216796, Orphanet 666, MedGen C0023931, MONDO:0008146, OMIM 166200. Disease mechanism: loss of function.

Submission:

Labcorp Genetics (formerly Invitae), Labcorp
Classification: Pathogenic for Osteogenesis imperfecta type I; Ehlers-Danlos syndrome, classic type, 1. Last evaluated: 2026-01-21. Review status: criteria provided, single submitter. Criteria: Invitae Variant Classification Sherloc (09022015). Collection method: clinical testing. Allele origin: germline.
Comment: This sequence change creates a premature translational stop signal (p.Trp1179*) in the COL1A2 gene. It is expected to result in an absent or disrupted protein product. Loss-of-function variants in COL1A2 are known to be pathogenic (PMID: 11288717, 15077201). This variant is not present in population databases (gnomAD no frequency). This variant has not been reported in the literature in individuals affected with COL1A2-related conditions. For these reasons, this variant has been classified as Pathogenic.

Literature cited by the submitters: PubMed 11288717; PubMed 15077201.